The following is an entry in ClinVar:

NM_133497.4(KCNV2):c.1063T>G (p.Phe355Val)

Gene: KCNV2 (potassium voltage-gated channel modifier subfamily V member 2; plus strand). Cytogenetic location: 9p24.2.
Variant type: single nucleotide variant.
Coding change: c.1063T>G on transcript NM_133497.4 (MANE Select); coding-DNA position 1063, T replaced by G.
Protein change: p.Phe355Val; replaces phenylalanine 355 with valine.
Molecular consequence: missense variant.
Genome position (GRCh38, 1-based): chr9:2,718,802, T>G. VCF-style: chr9-2718802-T-G. GRCh37 (hg19) VCF-style: chr9-2718802-T-G.
Other names: c.1063T>G (NM_133497.3); short protein forms F355V.
Identifiers: ClinVar variation 1407721 (VCV001407721.7), dbSNP rs75645675, ClinGen allele CA4965749.

ClinVar aggregate classification (germline): Uncertain significance. Review status: criteria provided, multiple submitters, no conflicts (2 of 4 stars). 2 submissions from 2 submitters: Uncertain significance (2). Last evaluated 2025-10-02.

Conditions:
Inborn genetic diseases. Identifiers: MedGen C0950123, MeSH D030342.

gnomAD v4.1: 11 of 1,610,414 alleles (0.00068%); highest among the groups gnomAD compares: African/African-American, 0.0093%; no homozygotes.

Submissions (2):

Ambry Genetics
Classification: Uncertain significance for Inborn genetic diseases. Last evaluated: 2025-10-02. Review status: criteria provided, single submitter. Criteria: Ambry Variant Classification Scheme 2023. Collection method: clinical testing. Allele origin: germline.

Labcorp Genetics (formerly Invitae), Labcorp
Classification: Uncertain significance. Last evaluated: 2024-11-04. Review status: criteria provided, single submitter. Criteria: Invitae Variant Classification Sherloc (09022015). Collection method: clinical testing. Allele origin: germline.
Comment: This sequence change replaces phenylalanine, which is neutral and non-polar, with valine, which is neutral and non-polar, at codon 355 of the KCNV2 protein (p.Phe355Val). This variant is present in population databases (rs75645675, gnomAD 0.008%). This variant has not been reported in the literature in individuals affected with KCNV2-related conditions. ClinVar contains an entry for this variant (Variation ID: 1407721). Invitae Evidence Modeling of protein sequence and biophysical properties (such as structural, functional, and spatial information, amino acid conservation, physicochemical variation, residue mobility, and thermodynamic stability) indicates that this missense variant is not expected to disrupt KCNV2 protein function with a negative predictive value of 95%. In summary, the available evidence is currently insufficient to determine the role of this variant in disease. Therefore, it has been classified as a Variant of Uncertain Significance.